The following is an entry in ClinVar:

ClinVar aggregate classification (germline): Uncertain significance (1 of 4 stars; one submission).

Conditions:
Cardiovascular phenotype. Identifiers: MedGen CN230736.

Allele frequency attached by ClinVar (database versions not stated): gnomAD exomes below 0.00001; gnomAD 0.00003; TOPMed 0.00003.
gnomAD v4.1: 6 of 1,548,460 alleles (0.00039%); highest among the groups gnomAD compares: African/African-American, 0.0069%; no homozygotes.

Submission:

Ambry Genetics
Classification: Uncertain significance for Cardiovascular phenotype. Last evaluated: 2024-01-23. Review status: criteria provided, single submitter. Criteria: Ambry Variant Classification Scheme 2023. Collection method: clinical testing. Allele origin: germline.
Comment: The p.D3237G variant (also known as c.9710A>G), located in coding exon 2 of the ZNF469 gene, results from an A to G substitution at nucleotide position 9710. The aspartic acid at codon 3237 is replaced by glycine, an amino acid with similar properties. This amino acid position is conserved. In addition, this alteration is predicted to be tolerated by in silico analysis. Since supporting evidence is limited at this time, the clinical significance of this alteration remains unclear.

NM_001367624.2(ZNF469):c.9794A>G (p.Asp3265Gly)

Gene: ZNF469 (zinc finger protein 469; plus strand). Cytogenetic location: 16q24.2.
Variant type: single nucleotide variant.
Coding change: c.9794A>G on transcript NM_001367624.2 (MANE Select); coding-DNA position 9794, A replaced by G.
Protein change: p.Asp3265Gly; replaces aspartic acid 3265 with glycine.
Molecular consequence: missense variant.
Genome position (GRCh38, 1-based): chr16:88,437,264, A>G. VCF-style: chr16-88437264-A-G. GRCh37 (hg19) VCF-style: chr16-88503672-A-G.
Other names: NM_001127464.1:c.9710A>G; short protein forms D3265G.
Identifiers: ClinVar variation 1767954 (VCV001767954.2), dbSNP rs948215296, ClinGen allele CA286385770.